The following is an entry in ClinVar:

NM_198253.3(TERT):c.3011T>C (p.Ile1004Thr)

Gene: TERT (telomerase reverse transcriptase; minus strand). Cytogenetic location: 5p15.33.
Variant type: single nucleotide variant.
Coding change: c.3011T>C on transcript NM_198253.3 (MANE Select); coding-DNA position 3011, T replaced by C.
Protein change: p.Ile1004Thr; replaces isoleucine 1004 with threonine.
Molecular consequence: missense variant. On other transcripts: non-coding transcript variant (2).
Genome position (GRCh38, 1-based): chr5:1,258,619, A>G on the plus strand (T>C on the coding strand, the complement: TERT is on the minus strand). VCF-style: chr5-1258619-A-G. GRCh37 (hg19) VCF-style: chr5-1258734-A-G.
Other names: c.2822T>C, p.Ile941Thr (NM_001193376.3); short protein forms I1004T, I941T.
Identifiers: ClinVar variation 4865483 (VCV004865483.1).

ClinVar aggregate classification (germline): Uncertain significance (1 of 4 stars; one submission).

Conditions:
Dyskeratosis congenita. Identifiers: Orphanet 1775, MedGen C0265965, MONDO:0015780.

Submission:

Ambry Genetics
Classification: Uncertain significance for Dyskeratosis congenita. Last evaluated: 2026-05-23. Review status: criteria provided, single submitter. Criteria: Ambry Variant Classification Scheme 2023. Collection method: clinical testing. Allele origin: germline.
Comment: The p.I1004T variant (also known as c.3011T>C), located in coding exon 13 of the TERT gene, results from a T to C substitution at nucleotide position 3011. The isoleucine at codon 1004 is replaced by threonine, an amino acid with similar properties. This amino acid position is conserved. In addition, this alteration is predicted to be tolerated by in silico analysis. Based on the available evidence, the clinical significance of this variant remains unclear.